The following is an entry in ClinVar:

ClinVar aggregate classification (germline): Likely benign (0 of 4 stars; one submission).

Conditions:
DYRK1B-related disorder. Also called: DYRK1B-related condition.

Submission:

PreventionGenetics, part of Exact Sciences
Classification: Likely benign for DYRK1B-related condition. Last evaluated: 2024-01-19. Review status: no assertion criteria provided. Collection method: clinical testing. Allele origin: germline.
Comment: This variant is classified as likely benign based on ACMG/AMP sequence variant interpretation guidelines (Richards et al. 2015 PMID: 25741868, with internal and published modifications).

NM_004714.3(DYRK1B):c.521-4G>T

Gene: DYRK1B (dual specificity tyrosine phosphorylation regulated kinase 1B; minus strand). Cytogenetic location: 19q13.2.
Variant type: single nucleotide variant.
Coding change: c.521-4G>T on transcript NM_004714.3 (MANE Select); 4 bases into the intron before coding-DNA position 521, G replaced by T.
Molecular consequence: intron variant.
Genome position (GRCh38, 1-based): chr19:39,828,587, C>A on the plus strand (G>T on the coding strand, the complement: DYRK1B is on the minus strand). VCF-style: chr19-39828587-C-A. GRCh37 (hg19) VCF-style: chr19-40319227-C-A.
Other names: c.521-4G>T (NM_006483.3, NM_006484.3).
Identifiers: ClinVar variation 3355763 (VCV003355763.1).